The following is an entry in ClinVar:

NM_004036.5(ADCY3):c.1300G>A (p.Val434Met)

Gene: ADCY3 (adenylate cyclase 3; minus strand). Cytogenetic location: 2p23.3.
Variant type: single nucleotide variant.
Coding change: c.1300G>A on transcript NM_004036.5 (MANE Select); coding-DNA position 1300, G replaced by A.
Protein change: p.Val434Met; replaces valine 434 with methionine.
Molecular consequence: missense variant.
Genome position (GRCh38, 1-based): chr2:24,839,928, C>T on the plus strand (G>A on the coding strand, the complement: ADCY3 is on the minus strand). VCF-style: chr2-24839928-C-T. GRCh37 (hg19) VCF-style: chr2-25062797-C-T.
Other names: c.1300G>A, p.Val434Met (NM_001320613.2, NM_001377128.1, NM_001377129.1 and 2 more transcripts); c.577G>A, p.Val193Met (NM_001377131.1); short protein forms V193M, V434M.
Identifiers: ClinVar variation 3030437 (VCV003030437.2), dbSNP rs1430218908, ClinGen allele CA346062932.
Genomic context (GRCh38, chr2:24,839,928, plus strand): 5'-CTCACCCAGGGATGCCGCCGGCCTCCATCTTGTTGGCTACAGTGACATCAGTCGACCACA[C>T]GTCGTACTGCCAGCGCTTCTGGCCCAGGACGCCCCCCAGCACGGTGCCCGTGTGCACCCC-3'
Protein context (NP_004027.2, residues 424-444): VLGQKRWQYD[Val434Met]WSTDVTVANK

ClinVar aggregate classification (germline): Uncertain significance (0 of 4 stars; one submission).

Conditions:
ADCY3-related disorder. Also called: ADCY3-related condition.

Allele frequency attached by ClinVar (database versions not stated): gnomAD exomes below 0.00001; TOPMed below 0.00001; gnomAD 0.00001.
gnomAD v4.1: 6 of 1,613,778 alleles (0.00037%); highest among the groups gnomAD compares: East Asian, 0.0022%; no homozygotes.

Submission:

PreventionGenetics, part of Exact Sciences
Classification: Uncertain significance for ADCY3-related condition. Last evaluated: 2024-07-23. Review status: no assertion criteria provided. Collection method: clinical testing. Allele origin: germline.
Comment: The ADCY3 c.1300G>A variant is predicted to result in the amino acid substitution p.Val434Met. To our knowledge, this variant has not been reported in the literature or in a large population database, indicating this variant is rare. At this time, the clinical significance of this variant is uncertain due to the absence of conclusive functional and genetic evidence.